The following is an entry in ClinVar:

ClinVar aggregate classification (germline): Pathogenic (1 of 4 stars; one submission).

Conditions:
DICER1-related tumor predisposition. Also called: DICER1 syndrome; DICER1-related pleuropulmonary blastoma cancer predisposition syndrome. Identifiers: Orphanet 284343, MedGen C3839822, MONDO:0100216.

Submission:

Labcorp Genetics (formerly Invitae), Labcorp
Classification: Pathogenic for DICER1-related tumor predisposition. Last evaluated: 2025-07-17. Review status: criteria provided, single submitter. Criteria: Invitae Variant Classification Sherloc (09022015). Collection method: clinical testing. Allele origin: germline.
Comment: This sequence change creates a premature translational stop signal (p.Tyr1180*) in the DICER1 gene. It is expected to result in an absent or disrupted protein product. Loss-of-function variants in DICER1 are known to be pathogenic (PMID: 19556464, 21266384). This variant is not present in population databases (gnomAD no frequency). This premature translational stop signal has been observed in individual(s) with DICER1-related conditions (PMID: 30178239). ClinVar contains an entry for this variant (Variation ID: 934917). For these reasons, this variant has been classified as Pathogenic.

Literature cited by the submitters: PubMed 19556464; PubMed 21266384; PubMed 30178239.

NM_177438.3(DICER1):c.3539dup (p.Tyr1180Ter)

Gene: DICER1 (dicer 1, ribonuclease III; minus strand). Cytogenetic location: 14q32.13.
Variant type: Duplication.
Coding change: c.3539dup on transcript NM_177438.3 (MANE Select); coding-DNA position 3539, one base duplicated (A; older notation c.3539dupA).
Protein change: p.Tyr1180Ter; replaces tyrosine 1180 with a stop codon.
Molecular consequence: nonsense.
Genome position (GRCh38, 1-based): chr14:95,103,857, T duplicated on the plus strand (A on the coding strand, the reverse complement: DICER1 is on the minus strand). VCF-style (leftmost placement, unchanged base first): chr14-95103856-G-GT. GRCh37 (hg19) VCF-style: chr14-95570193-G-GT.
Other names: c.3539dup, p.Tyr1180Ter (NM_001195573.1, NM_001271282.3, NM_001291628.2 and 1 more transcripts); short protein forms Y1180*.
Identifiers: ClinVar variation 934917 (VCV000934917.11), dbSNP rs1891145931, ClinGen allele CA1139663714.